The following is an entry in ClinVar:

NM_000383.4(AIRE):c.436dup (p.Leu146fs)

Gene: AIRE (autoimmune regulator; plus strand). Cytogenetic location: 21q22.3.
Variant type: Duplication.
Coding change: c.436dup on transcript NM_000383.4 (MANE Select); coding-DNA position 436, one base duplicated (C; older notation c.436dupC).
Protein change: p.Leu146fs; shifts the reading frame from leucine 146.
Molecular consequence: frameshift variant.
Genome position (GRCh38, 1-based): chr21:44,287,106, C duplicated; the last of 3 consecutive C bases (chr21:44,287,104-44,287,106); duplicating any one gives the same sequence. VCF-style (leftmost placement, unchanged base first): chr21-44287103-G-GC. GRCh37 (hg19) VCF-style: chr21-45706986-G-GC.
Other names: short protein forms L146fs.
Identifiers: ClinVar variation 5012099 (VCV005012099.1).

ClinVar aggregate classification (germline): Pathogenic (1 of 4 stars; one submission).

Conditions:
Polyglandular autoimmune syndrome, type 1 (APS1). Also called: Whitaker syndrome; Autoimmune polyendocrinopathy syndrome, type I; Autoimmune polyendocrine syndrome type 1; AUTOIMMUNE POLYENDOCRINE SYNDROME, TYPE I, WITH OR WITHOUT REVERSIBLE METAPHYSEAL DYSPLASIA; APS I; HYPOADRENOCORTICISM WITH HYPOPARATHYROIDISM AND SUPERFICIAL MONILIASIS. Identifiers: Orphanet 3453, MedGen C0085859, MONDO:0009411, OMIM 240300.

Submission:

Myriad Genetics, Inc.
Classification: Pathogenic for Polyglandular autoimmune syndrome, type 1. Last evaluated: 2023-09-27. Review status: criteria provided, single submitter. Criteria: Myriad Autosomal Dominant, Autosomal Recessive and X-Linked Classification Criteria (2023). Collection method: clinical testing. Allele origin: unknown.
Comment: NM_000383.3(AIRE):c.436dupC(L146Pfs*71) is expected to be pathogenic in the context of autoimmune polyglandular syndrome type 1. This variant is predicted to lead to an abnormal or absent protein product due to the creation of a premature termination codon in AIRE, a gene where loss-of-function variants are known to be pathogenic. Please note: this variant was assessed in the context of healthy population screening.